The following is an entry in ClinVar:

ClinVar aggregate classification (germline): Pathogenic (1 of 4 stars; one submission).

Conditions:
Very long chain acyl-CoA dehydrogenase deficiency (ACADVLD). Also called: Very Long-Chain Acyl-Coenzyme A Dehydrogenase Deficiency; VLCAD Deficiency. Identifiers: Orphanet 26793, MedGen C3887523, MONDO:0008723, OMIM 201475.

Submission:

Labcorp Genetics (formerly Invitae), Labcorp
Classification: Pathogenic for Very long chain acyl-CoA dehydrogenase deficiency. Last evaluated: 2023-07-14. Review status: criteria provided, single submitter. Criteria: Invitae Variant Classification Sherloc (09022015). Collection method: clinical testing. Allele origin: germline.
Comment: ClinVar contains an entry for this variant (Variation ID: 1036078). For these reasons, this variant has been classified as Pathogenic. This variant disrupts a region of the ACADVL protein in which other variant(s) (p.Val642Met) have been determined to be pathogenic (PMID: 31031081). This suggests that this is a clinically significant region of the protein, and that variants that disrupt it are likely to be disease-causing. This variant has not been reported in the literature in individuals affected with ACADVL-related conditions. This variant is not present in population databases (gnomAD no frequency). This sequence change results in a frameshift in the ACADVL gene (p.Ser638Tyrfs*53). While this is not anticipated to result in nonsense mediated decay, it is expected to disrupt the last 18 amino acid(s) of the ACADVL protein and extend the protein by 34 additional amino acid residues.

Literature cited by the submitters: PubMed 31031081.

NM_000018.4(ACADVL):c.1909_1912dup (p.Ser638fs)

Gene: ACADVL (acyl-CoA dehydrogenase very long chain; plus strand). Cytogenetic location: 17p13.1.
Variant type: Duplication.
Coding change: c.1909_1912dup on transcript NM_000018.4 (MANE Select); coding-DNA positions 1909 to 1912, 4 bases duplicated (ATCT; older notation c.1909_1912dupATCT).
Protein change: p.Ser638fs; shifts the reading frame from serine 638.
Molecular consequence: frameshift variant.
Genome position (GRCh38, 1-based): chr17:7,225,038-7,225,041, ATCT duplicated. VCF-style (leftmost placement, unchanged base first): chr17-7225037-C-CATCT. GRCh37 (hg19) VCF-style: chr17-7128356-C-CATCT.
Other names: c.1843_1846dup, p.Ser616fs (NM_001033859.3); c.1978_1981dup, p.Ser661fs (NM_001270447.2); c.1681_1684dup, p.Ser562fs (NM_001270448.2); short protein forms S562fs, S616fs, S661fs, S638fs.
Identifiers: ClinVar variation 1036078 (VCV001036078.9), dbSNP rs2071413180, ClinGen allele CA2245716378.
Genomic context (GRCh38, chr17:7,225,037, plus strand): 5'-GGGCATGGCCGCCCTGCAGTCTGACCCCTGGCAGCAAGAGCTCTACCGCAACTTCAAAAG[C>CATCT]ATCTCCAAGGCCTTGGTGGAGCGGGGTGGTGTGGTCACCAGCAACCCACTTGGCTTCTGA-3'